The following is an entry in ClinVar:

NM_000540.3(RYR1):c.1280C>T (p.Ser427Leu)

Gene: RYR1 (ryanodine receptor 1; plus strand). Cytogenetic location: 19q13.2.
Variant type: single nucleotide variant.
Coding change: c.1280C>T on transcript NM_000540.3 (MANE Select); coding-DNA position 1280, C replaced by T.
Protein change: p.Ser427Leu; replaces serine 427 with leucine.
Molecular consequence: missense variant.
Genome position (GRCh38, 1-based): chr19:38,452,854, C>T. VCF-style: chr19-38452854-C-T. GRCh37 (hg19) VCF-style: chr19-38943494-C-T.
Other names: c.1280C>T, p.Ser427Leu (NM_001042723.2); short protein forms S427L.
Identifiers: ClinVar variation 65992 (VCV000065992.6), dbSNP rs118192118, ClinGen allele CA024005.

ClinVar aggregate classification (germline): Uncertain significance. Review status: criteria provided, multiple submitters, no conflicts (2 of 4 stars). 5 submissions from 5 submitters: Uncertain significance (3). 2 of the submissions do not count toward it. Last evaluated 2025-12-26.

Conditions:
Malignant hyperthermia, susceptibility to, 1 (MHS1). Also called: Anesthesia related hyperthermia; Malignant hyperpyrexia; Fulminating hyperpyrexia; Pharmacogenic myopathy; RYR1-Related Malignant Hyperthermia Susceptibility; Malignant hyperthermia suceptibility 1. Identifiers: Orphanet 423, MedGen C2930980, MONDO:0007783, OMIM 145600.
RYR1-related disorder. Also called: RYR1-related disorders; RYR1-related condition. Identifiers: MedGen CN239331.
Central core myopathy (CMYO1A). Also called: CONGENITAL MYOPATHY 1A, AUTOSOMAL DOMINANT, WITH SUSCEPTIBILITY TO MALIGNANT HYPERTHERMIA; Central core disease; Myopathy, central fibrillar. Identifiers: Orphanet 597, MedGen C5830701, MONDO:0007294, OMIM 117000.

Allele frequency attached by ClinVar (database versions not stated): TOPMed below 0.00001; gnomAD exomes 0.00001.
gnomAD v4.1: 11 of 1,606,116 alleles (0.00068%); highest among the groups gnomAD compares: African/African-American, 0.0013%; no homozygotes.

Submissions (5):

Labcorp Genetics (formerly Invitae), Labcorp
Classification: Uncertain significance for RYR1-related disorder. Last evaluated: 2025-12-26. Review status: criteria provided, single submitter. Criteria: Invitae Variant Classification Sherloc (09022015). Collection method: clinical testing. Allele origin: germline.
Comment: This sequence change replaces serine, which is neutral and polar, with leucine, which is neutral and non-polar, at codon 427 of the RYR1 protein (p.Ser427Leu). This variant is not present in population databases (gnomAD no frequency). This missense change has been observed in individual(s) with clinical features of RYR1-related conditions (PMID: 16621918). ClinVar contains an entry for this variant (Variation ID: 65992). Invitae Evidence Modeling of protein sequence and biophysical properties (such as structural, functional, and spatial information, amino acid conservation, physicochemical variation, residue mobility, and thermodynamic stability) indicates that this missense variant is not expected to disrupt RYR1 protein function with a negative predictive value of 95%. In summary, the available evidence is currently insufficient to determine the role of this variant in disease. Therefore, it has been classified as a Variant of Uncertain Significance.

Color Diagnostics, LLC DBA Color Health
Classification: Uncertain significance for Malignant hyperthermia, susceptibility to, 1. Last evaluated: 2025-07-07. Review status: criteria provided, single submitter. Criteria: ACMG Guidelines, 2015. Collection method: clinical testing. Allele origin: germline.
Comment: This missense variant replaces serine with leucine at codon 427 of the RYR1 protein. Computational prediction is inconclusive regarding the impact of this variant on protein structure and function. To our knowledge, functional studies have not been reported for this variant. This variant has been reported in an individual affected with central core disease (PMID: 16621918). This variant has not been identified in the general population by the Genome Aggregation Database (gnomAD). The available evidence is insufficient to determine the role of this variant in disease conclusively. Therefore, this variant is classified as a Variant of Uncertain Significance.

All of Us Research Program, National Institutes of Health
Classification: Uncertain significance for Malignant hyperthermia, susceptibility to, 1. Last evaluated: 2023-05-15. Review status: criteria provided, single submitter. Criteria: ACMG Guidelines, 2015. Collection method: clinical testing. Allele origin: germline. Inheritance: Autosomal dominant inheritance. Observed: 4 variant alleles, 4 heterozygotes.
Comment: This missense variant replaces serine with leucine at codon 427 of the RYR1 protein. Computational prediction is inconclusive regarding the impact of this variant on protein structure and function (internally defined REVEL score threshold 0.5 < inconclusive < 0.7, PMID: 27666373). To our knowledge, functional studies have not been reported for this variant. This variant has been reported in an individual affected with central core disease (PMID: 16621918). This variant has not been identified in the general population by the Genome Aggregation Database (gnomAD). The available evidence is insufficient to determine the role of this variant in disease conclusively. Therefore, this variant is classified as a Variant of Uncertain Significance.

This study involves interpretation of variants in research participants for the purpose of population health screening. Participant phenotype was not available at the time of variant classification. Additional details can be found in publication PMID: 35346344, PMCID: PMC8962531

GeneReviews
Classification: Pathogenic for Central Core Disease. Last evaluated: 2010-05-11. Review status: no assertion criteria provided. Collection method: curation. Allele origin: unknown. Not counted in ClinVar's aggregate classification.
ClinVar note: Converted during submission from pathologic to Pathogenic.

RYR1 database
No classification provided. Review status: no classification provided. Collection method: not provided. Allele origin: unknown. Not counted in ClinVar's aggregate classification.

Literature cited by the submitters: PubMed 16621918 (cited by 3 submitters).